The following is an entry in ClinVar:

NM_012414.4(RAB3GAP2):c.86T>G (p.Ile29Ser)

Gene: RAB3GAP2 (RAB3 GTPase activating non-catalytic protein subunit 2; minus strand). Cytogenetic location: 1q41.
Variant type: single nucleotide variant.
Coding change: c.86T>G on transcript NM_012414.4 (MANE Select); coding-DNA position 86, T replaced by G.
Protein change: p.Ile29Ser; replaces isoleucine 29 with serine.
Molecular consequence: missense variant.
Genome position (GRCh38, 1-based): chr1:220,272,252, A>C on the plus strand (T>G on the coding strand, the complement: RAB3GAP2 is on the minus strand). VCF-style: chr1-220272252-A-C. GRCh37 (hg19) VCF-style: chr1-220445594-A-C.
Other names: short protein forms I29S.
Identifiers: ClinVar variation 874387 (VCV000874387.9), dbSNP rs189536938, ClinGen allele CA1403152.

ClinVar aggregate classification (germline): Uncertain significance. Review status: criteria provided, multiple submitters, no conflicts (2 of 4 stars). 4 submissions from 3 submitters: Uncertain significance (4). Last evaluated 2025-12-09.

Conditions:
Inborn genetic diseases. Identifiers: MedGen C0950123, MeSH D030342.
Martsolf syndrome (MARTS). Also called: Congenital cataract with intellectual disability and hypogonadotropic hypogonadism syndrome. Identifiers: Orphanet 1387, MedGen C0796037, MONDO:0023910.
Warburg micro syndrome 2 (WARBM2). Also called: MICRO SYNDROME 2. Identifiers: Orphanet 2510, MedGen C3280214, MONDO:0013641, OMIM 614225.

Allele frequency attached by ClinVar (database versions not stated): TOPMed 0.00001; gnomAD exomes 0.00003; ExAC 0.00006; 1000 Genomes Project 30x 0.00016; 1000 Genomes Project 0.00020.
gnomAD v4.1: 40 of 1,610,176 alleles (0.0025%); highest among the groups gnomAD compares: East Asian, 0.087%; no homozygotes.

Submissions (4):

Ambry Genetics
Classification: Uncertain significance for Inborn genetic diseases. Last evaluated: 2025-12-09. Review status: criteria provided, single submitter. Criteria: Ambry Variant Classification Scheme 2023. Collection method: clinical testing. Allele origin: germline.

Labcorp Genetics (formerly Invitae), Labcorp
Classification: Uncertain significance for Martsolf syndrome; Warburg micro syndrome 2. Last evaluated: 2024-12-02. Review status: criteria provided, single submitter. Criteria: Invitae Variant Classification Sherloc (09022015). Collection method: clinical testing. Allele origin: germline.
Comment: This sequence change replaces isoleucine, which is neutral and non-polar, with serine, which is neutral and polar, at codon 29 of the RAB3GAP2 protein (p.Ile29Ser). This variant is present in population databases (rs189536938, gnomAD 0.05%). This variant has not been reported in the literature in individuals affected with RAB3GAP2-related conditions. ClinVar contains an entry for this variant (Variation ID: 874387). An algorithm developed to predict the effect of missense changes on protein structure and function (PolyPhen-2) suggests that this variant is likely to be tolerated. In summary, the available evidence is currently insufficient to determine the role of this variant in disease. Therefore, it has been classified as a Variant of Uncertain Significance.

Illumina Laboratory Services, Illumina
Classification: Uncertain significance for Martsolf syndrome 1. Last evaluated: 2018-01-13. Review status: criteria provided, single submitter. Criteria: ICSL Variant Classification Criteria 13 December 2019. Collection method: clinical testing. Allele origin: germline.

Illumina Laboratory Services, Illumina
Classification: Uncertain significance for Warburg micro syndrome 2. Last evaluated: 2018-01-13. Review status: criteria provided, single submitter. Criteria: ICSL Variant Classification Criteria 13 December 2019. Collection method: clinical testing. Allele origin: germline.